The following is an entry in ClinVar:

ClinVar aggregate classification (germline): Pathogenic (1 of 4 stars; one submission).

Conditions:
Hereditary breast ovarian cancer syndrome. Also called: Hereditary breast and ovarian cancer syndrome (HBOC); Breast and ovarian cancer; Hereditary breast and/or ovarian cancer syndrome; Hereditary breast and ovarian cancer; BRCA1- and BRCA2-Associated Hereditary Breast and Ovarian Cancer; Hereditary breast and ovarian cancer syndrome. Identifiers: Orphanet 145, MedGen C0677776, MeSH D061325, MONDO:0003582. Disease mechanism: loss of function.

Submission:

Labcorp Genetics (formerly Invitae), Labcorp
Classification: Pathogenic for Hereditary breast ovarian cancer syndrome. Last evaluated: 2022-06-01. Review status: criteria provided, single submitter. Criteria: Invitae Variant Classification Sherloc (09022015). Collection method: clinical testing. Allele origin: germline.
Comment: This variant is a gross deletion of the genomic region encompassing exon(s) 14-19 of the BRCA1 gene. This deletion is out-of-frame, and is expected to create a premature termination codon and result in an absent or disrupted protein product. Loss-of-function variants in BRCA1 are known to be pathogenic (PMID: 20104584). A similar copy number variant has been observed in individual(s) with breast and/or ovarian cancer (PMID: 15162129). For these reasons, this variant has been classified as Pathogenic.

Literature cited by the submitters: PubMed 20104584; PubMed 15162129.

NC_000017.10:g.(?_41209048)_(41226558_?)del

Gene: BRCA1 (BRCA1 DNA repair associated; minus strand). Cytogenetic location: 17q21.31.
Variant type: Deletion.
Identifiers: ClinVar variation 2425734 (VCV002425734.6).